The following is an entry in ClinVar:

NM_014861.4(ATP2C2):c.1681C>A (p.Pro561Thr)

Gene: ATP2C2 (ATPase secretory pathway Ca2+ transporting 2; plus strand). Cytogenetic location: 16q24.1.
Variant type: single nucleotide variant.
Coding change: c.1681C>A on transcript NM_014861.4 (MANE Select); coding-DNA position 1681, C replaced by A.
Protein change: p.Pro561Thr; replaces proline 561 with threonine.
Molecular consequence: missense variant.
Genome position (GRCh38, 1-based): chr16:84,451,941, C>A. VCF-style: chr16-84451941-C-A. GRCh37 (hg19) VCF-style: chr16-84485547-C-A.
Other names: c.1681C>A, p.Pro561Thr (NM_001286527.3); c.1228C>A, p.Pro410Thr (NM_001291454.2); short protein forms P410T, P561T.
Identifiers: ClinVar variation 3051626 (VCV003051626.2), dbSNP rs201848760, ClinGen allele CA8207551.

ClinVar aggregate classification (germline): Likely benign (0 of 4 stars; one submission).

Conditions:
ATP2C2-related disorder. Also called: ATP2C2-related condition.

Allele frequency attached by ClinVar (database versions not stated): gnomAD exomes 0.00009; ExAC 0.00033; gnomAD 0.00117; 1000 Genomes Project 0.00120; TOPMed 0.00121; ESP Exome Variant Server 0.00124; 1000 Genomes Project 30x 0.00125.
gnomAD v4.1: 308 of 1,614,038 alleles (0.019%); highest among the groups gnomAD compares: African/African-American, 0.38%; no homozygotes.

Submission:

PreventionGenetics, part of Exact Sciences
Classification: Likely benign for ATP2C2-related condition. Last evaluated: 2022-06-17. Review status: no assertion criteria provided. Collection method: clinical testing. Allele origin: germline.
Comment: This variant is classified as likely benign based on ACMG/AMP sequence variant interpretation guidelines (Richards et al. 2015 PMID: 25741868, with internal and published modifications).